The following is an entry in ClinVar:

NM_012253.4(TKTL1):c.32C>T (p.Pro11Leu)

Gene: TKTL1 (transketolase like 1; plus strand). Cytogenetic location: Xq28.
Variant type: single nucleotide variant.
Coding change: c.32C>T on transcript NM_012253.4 (MANE Select); coding-DNA position 32, C replaced by T.
Protein change: p.Pro11Leu; replaces proline 11 with leucine.
Molecular consequence: missense variant.
Genome position (GRCh38, 1-based): chrX:154,295,891, C>T. VCF-style: chrX-154295891-C-T. GRCh37 (hg19) VCF-style: chrX-153524244-C-T.
Other names: c.32C>T, p.Pro11Leu (NM_001145933.2); short protein forms P11L.
Identifiers: ClinVar variation 4865696 (VCV004865696.1).

ClinVar aggregate classification (germline): Uncertain significance (1 of 4 stars; one submission).

gnomAD v4.1: 12 of 1,210,042 alleles (0.00099%); highest among the groups gnomAD compares: Admixed American, 0.0044%; no homozygotes.

Submission:

Ambry Genetics
Classification: Uncertain significance. Last evaluated: 2026-06-03. Review status: criteria provided, single submitter. Criteria: Ambry Variant Classification Scheme 2023. Collection method: clinical testing. Allele origin: germline.
Comment: The c.32C>T (p.P11L) alteration is located in exon 1 (coding exon 1) of the TKTL1 gene. This alteration results from a C to T substitution at nucleotide position 32, causing the proline (P) at amino acid position 11 to be replaced by a leucine (L). Based on data from gnomAD, the T allele has an overall frequency of 0.002% (3/183004) total alleles studied. The highest observed frequency was 0.011% (3/27400) of Latino alleles. Based on insufficient or conflicting evidence, the clinical significance of this alteration remains unclear.